The following is an entry in ClinVar:

ClinVar aggregate classification (germline): Uncertain significance (1 of 4 stars; one submission).

Conditions:
Creatine transporter deficiency (CCDS1). Also called: Mental retardation , X-linked with seizures, short stature and midface hypoplasia; Mental retardation , X-linked, with creatine transport deficiency; X-linked creatine transporter deficiency; X-linked creatine deficiency syndrome; SLC6A8-Related Creatine Transporter Deficiency; CREATINE TRANSPORTER DEFECT. Identifiers: Orphanet 52503, MedGen C1845862, MONDO:0010305, OMIM 300352.

Submission:

Labcorp Genetics (formerly Invitae), Labcorp
Classification: Uncertain significance for Creatine transporter deficiency. Last evaluated: 2024-10-11. Review status: criteria provided, single submitter. Criteria: Invitae Variant Classification Sherloc (09022015). Collection method: clinical testing. Allele origin: germline.
Comment: This sequence change replaces lysine, which is basic and polar, with glutamine, which is neutral and polar, at codon 161 of the SLC6A8 protein (p.Lys161Gln). This variant is not present in population databases (gnomAD no frequency). This variant has not been reported in the literature in individuals affected with SLC6A8-related conditions. Invitae Evidence Modeling of protein sequence and biophysical properties (such as structural, functional, and spatial information, amino acid conservation, physicochemical variation, residue mobility, and thermodynamic stability) indicates that this missense variant is not expected to disrupt SLC6A8 protein function with a negative predictive value of 95%. In summary, the available evidence is currently insufficient to determine the role of this variant in disease. Therefore, it has been classified as a Variant of Uncertain Significance.

NM_005629.4(SLC6A8):c.481A>C (p.Lys161Gln)

Gene: SLC6A8 (solute carrier family 6 member 8; plus strand). Cytogenetic location: Xq28.
Variant type: single nucleotide variant.
Coding change: c.481A>C on transcript NM_005629.4 (MANE Select); coding-DNA position 481, A replaced by C.
Protein change: p.Lys161Gln; replaces lysine 161 with glutamine.
Molecular consequence: missense variant.
Genome position (GRCh38, 1-based): chrX:153,691,390, A>C. VCF-style: chrX-153691390-A-C. GRCh37 (hg19) VCF-style: chrX-152956845-A-C.
Other names: c.481A>C, p.Lys161Gln (NM_001142805.2); c.136A>C, p.Lys46Gln (NM_001142806.1); short protein forms K161Q, K46Q.
Identifiers: ClinVar variation 3618199 (VCV003618199.2).